The following is an entry in ClinVar:

ClinVar aggregate classification (germline): Conflicting classifications of pathogenicity. Review status: criteria provided, conflicting classifications (1 of 4 stars). 4 submissions from 4 submitters: Likely pathogenic (1); Uncertain significance (3). Last evaluated 2025-09-19.

Conditions:
Cardiovascular phenotype. Identifiers: MedGen CN230736.
Hereditary cancer-predisposing syndrome. Also called: Tumor predisposition; Hereditary Cancer Syndrome; Neoplastic Syndromes, Hereditary; Hereditary neoplastic syndrome. Identifiers: Orphanet 140162, MedGen C0027672, MeSH D009386, MONDO:0015356.
LZTR1-related schwannomatosis. Also called: Schwannomatosis-2, susceptibility to; Schwannomatosis 2. Identifiers: Orphanet 93921, MedGen C3810283, MONDO:0014299, OMIM 615670.

Allele frequency attached by ClinVar (database versions not stated): ExAC 0.00001; gnomAD 0.00001.
gnomAD v4.1: 3 of 1,613,020 alleles (0.00019%); highest among the groups gnomAD compares: Non-Finnish European, 0.00025%; no homozygotes.

Submissions (4):

Ambry Genetics
Classification: Likely pathogenic for Cardiovascular phenotype; Hereditary cancer-predisposing syndrome. Last evaluated: 2025-09-19. Review status: criteria provided, single submitter. Criteria: Ambry Variant Classification Scheme 2023. Collection method: clinical testing. Allele origin: germline.
Comment: The c.263+5G>T intronic variant results from a G to T substitution 5 nucleotides after coding exon 2 in the LZTR1 gene. This variant was reported in an individual with features consistent with LZTR1-related schwannomatosis (SWN) (external communication). This nucleotide position is highly conserved in available vertebrate species. In silico splice site analysis predicts that this alteration will weaken the native splice donor site and may result in the creation or strengthening of a novel splice donor site. RNA studies have demonstrated that this alteration results in abnormal splicing in the set of samples tested (Ambry internal data). Based on the majority of available evidence to date, this variant is likely to be pathogenic.

3billion
Classification: Uncertain significance for LZTR1-related schwannomatosis. Last evaluated: 2025-04-01. Review status: criteria provided, single submitter. Criteria: ACMG Guidelines, 2015. Collection method: clinical testing. Allele origin: germline. Affected: yes.

Labcorp Genetics (formerly Invitae), Labcorp
Classification: Uncertain significance. Last evaluated: 2025-01-28. Review status: criteria provided, single submitter. Criteria: Invitae Variant Classification Sherloc (09022015). Collection method: clinical testing. Allele origin: germline.
Comment: This sequence change falls in intron 2 of the LZTR1 gene. It does not directly change the encoded amino acid sequence of the LZTR1 protein. It affects a nucleotide within the consensus splice site. This variant is present in population databases (rs771241129, gnomAD 0.0009%). This variant has not been reported in the literature in individuals affected with LZTR1-related conditions. ClinVar contains an entry for this variant (Variation ID: 1794044). Variants that disrupt the consensus splice site are a relatively common cause of aberrant splicing (PMID: 17576681, 9536098). Algorithms developed to predict the effect of sequence changes on RNA splicing suggest that this variant may disrupt the consensus splice site. In summary, the available evidence is currently insufficient to determine the role of this variant in disease. Therefore, it has been classified as a Variant of Uncertain Significance.

GeneDx
Classification: Uncertain significance. Last evaluated: 2023-12-28. Review status: criteria provided, single submitter. Criteria: GeneDx Variant Classification Process June 2021. Collection method: clinical testing. Allele origin: germline. Affected: yes.
Comment: Not observed at significant frequency in large population cohorts (gnomAD); Intronic +5 splice site variant in a gene for which loss of function is a known mechanism of disease, and both splice predictors and evolutionary conservation support a deleterious effect, although in the absence of functional evidence the actual effect of this sequence change is unknown.; Has not been previously published as pathogenic or benign to our knowledge

Literature cited by the submitters: PubMed 17576681 (cited by Labcorp Genetics (formerly Invitae), Labcorp); PubMed 9536098 (cited by Labcorp Genetics (formerly Invitae), Labcorp).

NM_006767.4(LZTR1):c.263+5G>T

Gene: LZTR1 (leucine zipper like post translational regulator 1; plus strand). Cytogenetic location: 22q11.21.
Variant type: single nucleotide variant.
Coding change: c.263+5G>T on transcript NM_006767.4 (MANE Select); 5 bases into the intron after coding-DNA position 263, G replaced by T.
Molecular consequence: intron variant.
Genome position (GRCh38, 1-based): chr22:20,983,094, G>T. VCF-style: chr22-20983094-G-T. GRCh37 (hg19) VCF-style: chr22-21337383-G-T.
Identifiers: ClinVar variation 1794044 (VCV001794044.7), dbSNP rs771241129, ClinGen allele CA10118326.
Genomic context (GRCh38, chr22:20,983,094, plus strand): 5'-AAGCACACAGTGGTGGCCTATAAAGATGCCATTTATGTATTTGGTGGAGACAATGGGTGA[G>T]TGAGTCTCAGCATCAGTGTTTGGACCAGGTAGGGAGAAGTACTGTGGTCAGGGACTGGGC-3'